The following is an entry in ClinVar:

NM_213655.5(WNK1):c.3464dup (p.Gly1156fs)

Gene: WNK1 (WNK lysine deficient protein kinase 1; plus strand). Cytogenetic location: 12p13.33.
Variant type: Duplication.
Coding change: c.3464dup on transcript NM_213655.5 (MANE Plus Clinical); coding-DNA position 3464, one base duplicated (C; older notation c.3464dupC).
Protein change: p.Gly1156fs; shifts the reading frame from glycine 1156.
Molecular consequence: frameshift variant. On other transcripts: intron variant (2).
Genome position (GRCh38, 1-based): chr12:868,935, C duplicated. VCF-style (leftmost placement, unchanged base first): chr12-868934-A-AC. GRCh37 (hg19) VCF-style: chr12-978100-A-AC.
Other names: c.3209dup, p.Gly1071fs (NM_001184985.2); c.2140-2330dup (NM_018979.4, NM_014823.3); short protein forms G1156fs, G1071fs.
Identifiers: ClinVar variation 804235 (VCV000804235.3), dbSNP rs1951910839, ClinGen allele CA916083283.

ClinVar aggregate classification (germline): Pathogenic (0 of 4 stars; one submission).

Conditions:
Neuropathy, hereditary sensory and autonomic, type 2A (HSAN2A). Also called: HSAN IIA; WNK1-Related HSAN2 (HSAN2A); MORVAN DISEASE; NEUROPATHY, CONGENITAL SENSORY; NEUROPATHY, HEREDITARY SENSORY RADICULAR, AUTOSOMAL RECESSIVE; NEUROPATHY, HEREDITARY SENSORY, TYPE IIA. Identifiers: Orphanet 970, MedGen C2752089, MONDO:0024309, OMIM 201300.

Submission:

Molecular Neuropsychiatry & Development Lab, Centre for Addiction and Mental Health
Classification: Pathogenic for Neuropathy, hereditary sensory and autonomic, type 2A. Last evaluated: 2019-09-01. Review status: no assertion criteria provided. Collection method: research. Allele origin: inherited. Inheritance: Autosomal recessive inheritance. Affected: yes. Observed: 1 homozygote.
Comment: NM_213655.4:c.3464dup; p.(Thr1155Asnfs*11) identified in two brothers affected with congenital insensitivity to pain from a consanguineous family from Pakistan. This variant is absent from control population exome data, and is predicted to lead to premature truncation of the protein and nonsense-meditated mRNA decay. The mutation occurs in exon 10 of WNK1/HSN2, in which almost all HSAN2A mutations have been found to-date.